The following is an entry in ClinVar:

ClinVar aggregate classification (germline): Uncertain significance (1 of 4 stars; one submission).

Conditions:
Cortical dysplasia-focal epilepsy syndrome (PTHSL1). Also called: Pitt-Hopkins-like syndrome 1. Identifiers: Orphanet 163681, Orphanet 221150, MedGen C2750246, MONDO:0012400, OMIM 610042.

Allele frequency attached by ClinVar (database versions not stated): gnomAD exomes below 0.00001.
gnomAD v4.1: 2 of 1,614,014 alleles (0.00012%); highest among the groups gnomAD compares: African/African-American, 0.0013%; no homozygotes.

Submission:

Labcorp Genetics (formerly Invitae), Labcorp
Classification: Uncertain significance for Cortical dysplasia-focal epilepsy syndrome. Last evaluated: 2021-10-02. Review status: criteria provided, single submitter. Criteria: Invitae Variant Classification Sherloc (09022015). Collection method: clinical testing. Allele origin: germline.
Comment: This sequence change replaces methionine with leucine at codon 266 of the CNTNAP2 protein (p.Met266Leu). The methionine residue is weakly conserved and there is a small physicochemical difference between methionine and leucine. This variant is not present in population databases (ExAC no frequency). This variant has not been reported in the literature in individuals affected with CNTNAP2-related conditions. Algorithms developed to predict the effect of missense changes on protein structure and function (SIFT, PolyPhen-2, Align-GVGD) all suggest that this variant is likely to be tolerated. In summary, the available evidence is currently insufficient to determine the role of this variant in disease. Therefore, it has been classified as a Variant of Uncertain Significance.

NM_014141.6(CNTNAP2):c.796A>T (p.Met266Leu)

Gene: CNTNAP2 (contactin associated protein 2; plus strand). Cytogenetic location: 7q35.
Variant type: single nucleotide variant.
Coding change: c.796A>T on transcript NM_014141.6 (MANE Select); coding-DNA position 796, A replaced by T.
Protein change: p.Met266Leu; replaces methionine 266 with leucine.
Molecular consequence: missense variant.
Genome position (GRCh38, 1-based): chr7:147,121,020, A>T. VCF-style: chr7-147121020-A-T. GRCh37 (hg19) VCF-style: chr7-146818112-A-T.
Other names: short protein forms M266L.
Identifiers: ClinVar variation 1522256 (VCV001522256.3), dbSNP rs1042657310, ClinGen allele CA168689474.
Genomic context (GRCh38, chr7:147,121,020, plus strand): 5'-TTCACTTCTGTGTACGCAGGAAGCAACCAGCTTGGCCCCATATATGGCCACACATCAGTG[A>T]TGACAGGAAGTTTGCTGGATGACCACCACTGGCACTCTGTGGTCATTGAGCGCCAGGGGC-3'
Protein context (NP_054860.1, residues 256-276): LGPIYGHTSV[Met266Leu]TGSLLDDHHW